The following is an entry in ClinVar:

NM_138413.4(HOGA1):c.468+1G>C

Gene: HOGA1 (4-hydroxy-2-oxoglutarate aldolase 1; plus strand). Cytogenetic location: 10q24.2.
Variant type: single nucleotide variant.
Coding change: c.468+1G>C on transcript NM_138413.4 (MANE Select); the canonical splice donor site of the intron after coding-DNA position 468, G replaced by C.
Molecular consequence: splice donor variant. On other transcripts: intron variant (1).
Genome position (GRCh38, 1-based): chr10:97,599,217, G>C. VCF-style: chr10-97599217-G-C. GRCh37 (hg19) VCF-style: chr10-99358974-G-C.
Other names: c.212-2640G>C (NM_001134670.2).
Identifiers: ClinVar variation 2988932 (VCV002988932.3), dbSNP rs2540074927, ClinGen allele CA377977657.

ClinVar aggregate classification (germline): Likely pathogenic (1 of 4 stars; one submission).

Allele frequency attached by ClinVar (database versions not stated): gnomAD exomes below 0.00001.
gnomAD v4.1: 2 of 1,613,992 alleles (0.00012%); highest among the groups gnomAD compares: Non-Finnish European, 0.00017%; no homozygotes.

Submission:

Labcorp Genetics (formerly Invitae), Labcorp
Classification: Likely pathogenic. Last evaluated: 2023-09-08. Review status: criteria provided, single submitter. Criteria: Invitae Variant Classification Sherloc (09022015). Collection method: clinical testing. Allele origin: germline.
Comment: In summary, the currently available evidence indicates that the variant is pathogenic, but additional data are needed to prove that conclusively. Therefore, this variant has been classified as Likely Pathogenic. Algorithms developed to predict the effect of sequence changes on RNA splicing suggest that this variant may disrupt the consensus splice site. This variant has not been reported in the literature in individuals affected with HOGA1-related conditions. This variant is not present in population databases (gnomAD no frequency). This sequence change affects a donor splice site in intron 3 of the HOGA1 gene. It is expected to disrupt RNA splicing. Variants that disrupt the donor or acceptor splice site typically lead to a loss of protein function (PMID: 16199547), and loss-of-function variants in HOGA1 are known to be pathogenic (PMID: 22391140, 22781098).

Literature cited by the submitters: PubMed 16199547; PubMed 22391140; PubMed 22781098.